The following is an entry in ClinVar:

ClinVar aggregate classification (germline): Pathogenic (1 of 4 stars; one submission).

Conditions:
Congenital disorder of glycosylation, type Iaa. Also called: Congenital disorder of glycosylation, type 1aa. Identifiers: MedGen C4310727, MONDO:0014904, OMIM 617082.

Submission:

Labcorp Genetics (formerly Invitae), Labcorp
Classification: Pathogenic for Congenital disorder of glycosylation, type Iaa. Last evaluated: 2023-04-09. Review status: criteria provided, single submitter. Criteria: Invitae Variant Classification Sherloc (09022015). Collection method: clinical testing. Allele origin: germline.
Comment: This sequence change creates a premature translational stop signal (p.Trp37*) in the NUS1 gene. It is expected to result in an absent or disrupted protein product. Loss-of-function variants in NUS1 are known to be pathogenic (PMID: 29100083). For these reasons, this variant has been classified as Pathogenic. This variant has not been reported in the literature in individuals affected with NUS1-related conditions. This variant is not present in population databases (gnomAD no frequency).

Literature cited by the submitters: PubMed 29100083.

NM_138459.5(NUS1):c.110G>A (p.Trp37Ter)

Gene: NUS1 (NUS1 dehydrodolichyl diphosphate synthase subunit; plus strand). Cytogenetic location: 6q22.1.
Variant type: single nucleotide variant.
Coding change: c.110G>A on transcript NM_138459.5 (MANE Select); coding-DNA position 110, G replaced by A.
Protein change: p.Trp37Ter; replaces tryptophan 37 with a stop codon.
Molecular consequence: nonsense.
Genome position (GRCh38, 1-based): chr6:117,675,780, G>A. VCF-style: chr6-117675780-G-A. GRCh37 (hg19) VCF-style: chr6-117996943-G-A.
Other names: short protein forms W37*.
Identifiers: ClinVar variation 2851556 (VCV002851556.3), dbSNP rs2481982643, ClinGen allele CA365535922.